The following is an entry in ClinVar:

ClinVar aggregate classification (germline): Uncertain significance (1 of 4 stars; one submission).

Conditions:
Familial hemophagocytic lymphohistiocytosis 5. Also called: STXBP2-Related Familial Hemophagocytic Lymphohistiocytosis (STXBP2-fHLH). Identifiers: Orphanet 540, MedGen C2751293, MONDO:0013135, OMIM 613101.

Allele frequency attached by ClinVar (database versions not stated): TOPMed below 0.00001.

Submission:

Labcorp Genetics (formerly Invitae), Labcorp
Classification: Uncertain significance for Familial hemophagocytic lymphohistiocytosis 5. Last evaluated: 2024-03-04. Review status: criteria provided, single submitter. Criteria: Invitae Variant Classification Sherloc (09022015). Collection method: clinical testing. Allele origin: germline.
Comment: This sequence change replaces glycine, which is neutral and non-polar, with valine, which is neutral and non-polar, at codon 194 of the STXBP2 protein (p.Gly194Val). This variant is not present in population databases (gnomAD no frequency). This variant has not been reported in the literature in individuals affected with STXBP2-related conditions. ClinVar contains an entry for this variant (Variation ID: 2016907). An algorithm developed to predict the effect of missense changes on protein structure and function (PolyPhen-2) suggests that this variant is likely to be disruptive. In summary, the available evidence is currently insufficient to determine the role of this variant in disease. Therefore, it has been classified as a Variant of Uncertain Significance.

NM_006949.4(STXBP2):c.581G>T (p.Gly194Val)

Gene: STXBP2 (syntaxin binding protein 2; plus strand). Cytogenetic location: 19p13.2.
Variant type: single nucleotide variant.
Coding change: c.581G>T on transcript NM_006949.4 (MANE Select); coding-DNA position 581, G replaced by T.
Protein change: p.Gly194Val; replaces glycine 194 with valine.
Molecular consequence: missense variant. On other transcripts: non-coding transcript variant (1).
Genome position (GRCh38, 1-based): chr19:7,642,036, G>T. VCF-style: chr19-7642036-G-T. GRCh37 (hg19) VCF-style: chr19-7706922-G-T.
Other names: c.572G>T, p.Gly191Val (NM_001127396.3); c.614G>T, p.Gly205Val (NM_001272034.2); c.485G>T, p.Gly162Val (NM_001414484.1); short protein forms G191V, G162V, G194V, G205V.
Identifiers: ClinVar variation 2016907 (VCV002016907.4), dbSNP rs2031905914, ClinGen allele CA403158529.
Genomic context (GRCh38, chr19:7,642,036, plus strand): 5'-AAACCCATCCTTGACCCCATCCCCTGATGATGTCCCCCGTGTCTGACCTCCCCGCCAGGG[G>T]CCCAGAGGACACAGCCCAGTTGGCCCACGCCGTCCTGGCCAAGCTGAACGCCTTCAAGGC-3'
Protein context (NP_008880.2, residues 184-204): QEYPAIRYRK[Gly194Val]PEDTAQLAHA